The following is an entry in ClinVar:

ClinVar aggregate classification (germline): Uncertain significance (1 of 4 stars; one submission).

Conditions:
Intellectual developmental disorder, autosomal dominant 42. Also called: GNB1 Encephalopathy; Intellectual disability, autosomal dominant 42; Global developmental delay-neuro-ophthalmological abnormalities-seizures-intellectual disability syndrome. Identifiers: Orphanet 488613, MedGen C4310774, MONDO:0014855, OMIM 616973.

Submission:

Clinical Genomics Laboratory, Washington University in St. Louis
Classification: Uncertain significance for Intellectual developmental disorder, autosomal dominant 42. Last evaluated: 2025-06-06. Review status: criteria provided, single submitter. Criteria: ACMG Guidelines, 2015. Collection method: clinical testing. Allele origin: germline.
Comment: The GNB1 c.370T>G (p.Tyr124Asp) variant, to our knowledge, has not been reported in the medical literature. This variant is absent from the general population (gnomAD v.2.1.1), indicating it is not a common variant. This variant resides within the WD40 domain, a region that accounts for 88% of all missense variants in the GNB1 gene and is considered a critical functional domain (Da Silva JD et al., PMID: 34646230). Computational predictors indicate that the variant is damaging, evidence that correlates with impact to GNB1 function. Due to limited information, and based on ACMG/AMP guidelines for variant interpretation (Richards S et al., PMID: 25741868), the clinical significance of this variant is uncertain at this time.

NM_002074.5(GNB1):c.370T>G (p.Tyr124Asp)

Gene: GNB1 (G protein subunit beta 1; minus strand). Cytogenetic location: 1p36.33.
Variant type: single nucleotide variant.
Coding change: c.370T>G on transcript NM_002074.5 (MANE Select); coding-DNA position 370, T replaced by G.
Protein change: p.Tyr124Asp; replaces tyrosine 124 with aspartic acid.
Molecular consequence: missense variant.
Genome position (GRCh38, 1-based): chr1:1,804,479, A>C on the plus strand (T>G on the coding strand, the complement: GNB1 is on the minus strand). VCF-style: chr1-1804479-A-C. GRCh37 (hg19) VCF-style: chr1-1735918-A-C.
Other names: c.70T>G, p.Tyr24Asp (NM_001282538.2); c.370T>G, p.Tyr124Asp (NM_001282539.2); short protein forms Y124D, Y24D.
Identifiers: ClinVar variation 4279799 (VCV004279799.1).